The following is an entry in ClinVar:

NM_182641.4(BPTF):c.644G>A (p.Arg215His)

Gene: BPTF (bromodomain PHD finger transcription factor; plus strand). Cytogenetic location: 17q24.2.
Variant type: single nucleotide variant.
Coding change: c.644G>A on transcript NM_182641.4 (MANE Select); coding-DNA position 644, G replaced by A.
Protein change: p.Arg215His; replaces arginine 215 with histidine.
Molecular consequence: missense variant.
Genome position (GRCh38, 1-based): chr17:67,853,970, G>A. VCF-style: chr17-67853970-G-A. GRCh37 (hg19) VCF-style: chr17-65850086-G-A.
Other names: c.644G>A, p.Arg215His (NM_004459.7); short protein forms R215H.
Identifiers: ClinVar variation 2334803 (VCV002334803.6), dbSNP rs754887842, ClinGen allele CA8725048.

ClinVar aggregate classification (germline): Uncertain significance. Review status: criteria provided, multiple submitters, no conflicts (2 of 4 stars). 2 submissions from 2 submitters: Uncertain significance (2). Last evaluated 2025-04-04.

Conditions:
Inborn genetic diseases. Identifiers: MedGen C0950123, MeSH D030342.

Allele frequency attached by ClinVar (database versions not stated): ExAC 0.00001; gnomAD 0.00001; TOPMed 0.00001; gnomAD exomes 0.00002.
gnomAD v4.1: 37 of 1,612,954 alleles (0.0023%); highest among the groups gnomAD compares: Non-Finnish European, 0.0028%; no homozygotes.

Submissions (2):

Ambry Genetics
Classification: Uncertain significance for Inborn genetic diseases. Last evaluated: 2025-04-04. Review status: criteria provided, single submitter. Criteria: Ambry Variant Classification Scheme 2023. Collection method: clinical testing. Allele origin: germline.

Labcorp Genetics (formerly Invitae), Labcorp
Classification: Uncertain significance. Last evaluated: 2024-08-31. Review status: criteria provided, single submitter. Criteria: Invitae Variant Classification Sherloc (09022015). Collection method: clinical testing. Allele origin: germline.
Comment: This sequence change replaces arginine, which is basic and polar, with histidine, which is basic and polar, at codon 215 of the BPTF protein (p.Arg215His). This variant is present in population databases (rs754887842, gnomAD 0.006%). This variant has not been reported in the literature in individuals affected with BPTF-related conditions. ClinVar contains an entry for this variant (Variation ID: 2334803). An algorithm developed to predict the effect of missense changes on protein structure and function (PolyPhen-2) suggests that this variant is likely to be disruptive. In summary, the available evidence is currently insufficient to determine the role of this variant in disease. Therefore, it has been classified as a Variant of Uncertain Significance.